The following is an entry in ClinVar:

ClinVar aggregate classification (germline): Benign. Review status: criteria provided, multiple submitters, no conflicts (2 of 4 stars). 7 submissions from 7 submitters: Benign (6). 1 of the submissions does not count toward it. Last evaluated 2026-01-23.

Conditions:
Hereditary spastic paraplegia. Also called: Familial spastic paraparesis. Identifiers: Orphanet 685, MedGen C0037773, MONDO:0019064. Disease mechanism: loss of function.
Hereditary spastic paraplegia 47. Also called: Spastic paraplegia 47, autosomal recessive; adaptor protein 4 (AP-4) deficiency syndrome; CEREBRAL PALSY, SPASTIC QUADRIPLEGIC, 5. Identifiers: Orphanet 280763, MedGen C3279738, MONDO:0013551, OMIM 614066.

Allele frequency attached by ClinVar (database versions not stated): 1000 Genomes Project 0.02296; 1000 Genomes Project 30x 0.02311; ESP Exome Variant Server 0.00115; gnomAD 0.00589; TOPMed 0.01243.
gnomAD v4.1: 8,835 of 1,614,082 alleles (0.55%); highest among the groups gnomAD compares: Admixed American, 8.9%; 330 homozygotes.

Submissions (27):

Labcorp Genetics (formerly Invitae), Labcorp
Classification: Benign for Hereditary spastic paraplegia 47. Last evaluated: 2026-01-23. Review status: criteria provided, single submitter. Criteria: Invitae Variant Classification Sherloc (09022015). Collection method: clinical testing. Allele origin: germline.

Genome-Nilou Lab
Classification: Benign for Hereditary spastic paraplegia 47. Last evaluated: 2023-04-11. Review status: criteria provided, single submitter. Criteria: ACMG Guidelines, 2015. Collection method: clinical testing. Allele origin: germline. Affected: no.

Genome Diagnostics Laboratory, The Hospital for Sick Children
Classification: Benign for Hereditary spastic paraplegia. Last evaluated: 2021-04-07. Review status: criteria provided, single submitter. Criteria: ACMG Guidelines, 2015. Collection method: clinical testing. Allele origin: germline. Affected: yes.

Mayo Clinic Laboratories, Mayo Clinic
Classification: Benign. Last evaluated: 2020-02-28. Review status: criteria provided, single submitter. Criteria: ACMG Guidelines, 2015. Collection method: clinical testing. Allele origin: germline. Observed: 9 variant alleles.

GeneDx
Classification: Benign. Last evaluated: 2016-05-27. Review status: criteria provided, single submitter. Criteria: GeneDx Variant Classification (06012015). Collection method: clinical testing. Allele origin: germline. Affected: yes.
Comment: This variant is considered likely benign or benign based on one or more of the following criteria: it is a conservative change, it occurs at a poorly conserved position in the protein, it is predicted to be benign by multiple in silico algorithms, and/or has population frequency not consistent with disease.

Breakthrough Genomics
Classification: Benign. Review status: criteria provided, single submitter. Criteria: ACMG Guidelines, 2015. Collection method: not provided. Allele origin: germline. Inheritance: Autosomal recessive inheritance. Affected: yes.

Dr. Peter K. Rogan Lab, Western University
No classification provided (evidence only). Condition: Melanoma. Review status: no classification provided. Collection method: in vitro. Allele origin: not applicable. Functional consequence: retained intron. Not counted in ClinVar's aggregate classification.

Dr. Peter K. Rogan Lab, Western University
No classification provided (evidence only). Condition: Thyroid cancer, nonmedullary, 1. Review status: no classification provided. Collection method: in vitro. Allele origin: not applicable. Functional consequence: retained intron. Not counted in ClinVar's aggregate classification.

Dr. Peter K. Rogan Lab, Western University
No classification provided (evidence only). Condition: Ovarian serous cystadenocarcinoma. Review status: no classification provided. Collection method: in vitro. Allele origin: not applicable. Functional consequence: retained intron. Not counted in ClinVar's aggregate classification.

Dr. Peter K. Rogan Lab, Western University
No classification provided (evidence only). Condition: Gastric cancer. Review status: no classification provided. Collection method: in vitro. Allele origin: not applicable. Functional consequence: retained intron. Not counted in ClinVar's aggregate classification.

Dr. Peter K. Rogan Lab, Western University
No classification provided (evidence only). Condition: Hepatocellular carcinoma. Review status: no classification provided. Collection method: in vitro. Allele origin: not applicable. Functional consequence: retained intron. Not counted in ClinVar's aggregate classification.

Dr. Peter K. Rogan Lab, Western University
No classification provided (evidence only). Condition: Hepatocellular carcinoma. Review status: no classification provided. Collection method: in vitro. Allele origin: not applicable. Functional consequence: retained intron. Not counted in ClinVar's aggregate classification.

Dr. Peter K. Rogan Lab, Western University
No classification provided (evidence only). Condition: Cervical cancer. Review status: no classification provided. Collection method: in vitro. Allele origin: not applicable. Functional consequence: retained intron. Not counted in ClinVar's aggregate classification.

Dr. Peter K. Rogan Lab, Western University
No classification provided (evidence only). Condition: Cervical cancer. Review status: no classification provided. Collection method: in vitro. Allele origin: not applicable. Functional consequence: retained intron. Not counted in ClinVar's aggregate classification.

Dr. Peter K. Rogan Lab, Western University
No classification provided (evidence only). Condition: Gastric cancer. Review status: no classification provided. Collection method: in vitro. Allele origin: not applicable. Functional consequence: retained intron. Not counted in ClinVar's aggregate classification.

Dr. Peter K. Rogan Lab, Western University
No classification provided (evidence only). Condition: Malignant tumor of esophagus. Review status: no classification provided. Collection method: in vitro. Allele origin: not applicable. Functional consequence: retained intron. Not counted in ClinVar's aggregate classification.

Dr. Peter K. Rogan Lab, Western University
No classification provided (evidence only). Condition: Hepatocellular carcinoma. Review status: no classification provided. Collection method: in vitro. Allele origin: not applicable. Functional consequence: retained intron. Not counted in ClinVar's aggregate classification.

Dr. Peter K. Rogan Lab, Western University
No classification provided (evidence only). Condition: Hepatocellular carcinoma. Review status: no classification provided. Collection method: in vitro. Allele origin: not applicable. Functional consequence: retained intron. Not counted in ClinVar's aggregate classification.

Dr. Peter K. Rogan Lab, Western University
No classification provided (evidence only). Condition: Sarcoma. Review status: no classification provided. Collection method: in vitro. Allele origin: not applicable. Functional consequence: retained intron. Not counted in ClinVar's aggregate classification.

Dr. Peter K. Rogan Lab, Western University
No classification provided (evidence only). Condition: Malignant lymphoma, large B-cell, diffuse. Review status: no classification provided. Collection method: in vitro. Allele origin: not applicable. Functional consequence: retained intron. Not counted in ClinVar's aggregate classification.

Dr. Peter K. Rogan Lab, Western University
No classification provided (evidence only). Condition: Familial pancreatic carcinoma. Review status: no classification provided. Collection method: in vitro. Allele origin: not applicable. Functional consequence: retained intron. Not counted in ClinVar's aggregate classification.

Dr. Peter K. Rogan Lab, Western University
No classification provided (evidence only). Condition: Hepatocellular carcinoma. Review status: no classification provided. Collection method: in vitro. Allele origin: not applicable. Functional consequence: retained intron. Not counted in ClinVar's aggregate classification.

Dr. Peter K. Rogan Lab, Western University
No classification provided (evidence only). Condition: Lung cancer. Review status: no classification provided. Collection method: in vitro. Allele origin: not applicable. Functional consequence: retained intron. Not counted in ClinVar's aggregate classification.

Dr. Peter K. Rogan Lab, Western University
No classification provided (evidence only). Condition: Malignant lymphoma, large B-cell, diffuse. Review status: no classification provided. Collection method: in vitro. Allele origin: not applicable. Functional consequence: retained intron. Not counted in ClinVar's aggregate classification.

Dr. Peter K. Rogan Lab, Western University
No classification provided (evidence only). Condition: Malignant lymphoma, large B-cell, diffuse. Review status: no classification provided. Collection method: in vitro. Allele origin: not applicable. Functional consequence: retained intron. Not counted in ClinVar's aggregate classification.

Dr. Peter K. Rogan Lab, Western University
No classification provided (evidence only). Condition: Hepatocellular carcinoma. Review status: no classification provided. Collection method: in vitro. Allele origin: not applicable. Functional consequence: retained intron. Not counted in ClinVar's aggregate classification.

Genetic Services Laboratory, University of Chicago
Classification: Likely benign. Review status: no assertion criteria provided. Collection method: clinical testing. Allele origin: germline. Inheritance: Autosomal recessive inheritance. Not counted in ClinVar's aggregate classification.
Comment: Likely benign based on allele frequency in 1000 Genomes Project or ESP global frequency and its presence in a patient with a rare or unrelated disease phenotype. NOT Sanger confirmed

NM_001253852.3(AP4B1):c.1793-9C>G

Genes: AP4B1 (adaptor related protein complex 4 subunit beta 1; minus strand), AP4B1-AS1 (AP4B1 antisense RNA 1; plus strand). Cytogenetic location: 1p13.2.
Variant type: single nucleotide variant.
Coding change: c.1793-9C>G on transcript NM_001253852.3 (MANE Select); 9 bases into the intron before coding-DNA position 1793, C replaced by G.
Molecular consequence: intron variant.
Genome position (GRCh38, 1-based): chr1:113,895,501, G>C on the plus strand (C>G on the coding strand, the complement: AP4B1 is on the minus strand). VCF-style: chr1-113895501-G-C. GRCh37 (hg19) VCF-style: chr1-114438123-G-C.
Other names: p.?; c.1496-9C>G (NM_001253853.3); c.1793-9C>G (NM_006594.5); c.1289-9C>G (NM_001308312.2).
Identifiers: ClinVar variation 157719 (VCV000157719.22), dbSNP rs17031980, ClinGen allele CA171110.